The following is an entry in ClinVar:

ClinVar aggregate classification (germline): Uncertain significance (1 of 4 stars; one submission).

Allele frequency attached by ClinVar (database versions not stated): gnomAD exomes 0.00001; ExAC 0.00003.
gnomAD v4.1: 3 of 1,596,174 alleles (0.00019%); highest among the groups gnomAD compares: Admixed American, 0.0052%; no homozygotes.

Submission:

Labcorp Genetics (formerly Invitae), Labcorp
Classification: Uncertain significance. Last evaluated: 2022-10-17. Review status: criteria provided, single submitter. Criteria: Invitae Variant Classification Sherloc (09022015). Collection method: clinical testing. Allele origin: germline.
Comment: This variant has not been reported in the literature in individuals affected with REL-related conditions. This variant is present in population databases (rs754678258, gnomAD 0.01%). This sequence change replaces valine, which is neutral and non-polar, with isoleucine, which is neutral and non-polar, at codon 619 of the REL protein (p.Val619Ile). Algorithms developed to predict the effect of missense changes on protein structure and function output the following: SIFT: "Tolerated"; PolyPhen-2: "Benign"; Align-GVGD: "Class C0". The isoleucine amino acid residue is found in multiple mammalian species, which suggests that this missense change does not adversely affect protein function. In summary, the available evidence is currently insufficient to determine the role of this variant in disease. Therefore, it has been classified as a Variant of Uncertain Significance.

NM_001291746.2(REL):c.1759G>A (p.Val587Ile)

Gene: REL (REL proto-oncogene, NF-kB subunit; plus strand). Cytogenetic location: 2p16.1.
Variant type: single nucleotide variant.
Coding change: c.1759G>A on transcript NM_001291746.2 (MANE Select); coding-DNA position 1759, G replaced by A.
Protein change: p.Val587Ile; replaces valine 587 with isoleucine.
Molecular consequence: missense variant.
Genome position (GRCh38, 1-based): chr2:60,922,530, G>A. VCF-style: chr2-60922530-G-A. GRCh37 (hg19) VCF-style: chr2-61149665-G-A.
Other names: c.1855G>A, p.Val619Ile (NM_002908.4); short protein forms V619I, V587I.
Identifiers: ClinVar variation 2107011 (VCV002107011.4), dbSNP rs754678258, ClinGen allele CA1672535.